The following is an entry in ClinVar:

NM_001256864.2(DNAJC6):c.1182A>G (p.Leu394=)

Gene: DNAJC6 (DnaJ heat shock protein family (Hsp40) member C6; plus strand). Cytogenetic location: 1p31.3.
Variant type: single nucleotide variant.
Coding change: c.1182A>G on transcript NM_001256864.2 (MANE Select); coding-DNA position 1182, A replaced by G.
Protein change: p.Leu394=; no amino-acid change (leucine 394 retained).
Molecular consequence: synonymous variant.
Genome position (GRCh38, 1-based): chr1:65,388,404, A>G. VCF-style: chr1-65388404-A-G. GRCh37 (hg19) VCF-style: chr1-65854087-A-G.
Other names: c.972A>G, p.Leu324= (NM_001256865.2); c.1011A>G, p.Leu337= (NM_014787.4).
Identifiers: ClinVar variation 706823 (VCV000706823.34), dbSNP rs148145327, ClinGen allele CA893861.

ClinVar aggregate classification (germline): Likely benign. Review status: criteria provided, multiple submitters, no conflicts (2 of 4 stars). 3 submissions from 3 submitters: Likely benign (2). 1 of the submissions does not count toward it. Last evaluated 2025-07-16.

Conditions:
DNAJC6-related disorder. Also called: DNAJC6-Related Disorders; DNAJC6-related condition.
Juvenile onset Parkinson disease 19A. Also called: PARK19; DNAJC6 Parkinson Disease. Identifiers: Orphanet 391411, MedGen C3809811, MONDO:0014231, OMIM 615528.

Allele frequency attached by ClinVar (database versions not stated): gnomAD 0.00015; ExAC 0.00006; gnomAD exomes 0.00012 and 0.00013; TOPMed 0.00012; ESP Exome Variant Server 0.00015.
gnomAD v4.1: 212 of 1,613,900 alleles (0.013%); highest among the groups gnomAD compares: Middle Eastern, 0.016%; no homozygotes.

Submissions (3):

Labcorp Genetics (formerly Invitae), Labcorp
Classification: Likely benign for Juvenile onset Parkinson disease 19A. Last evaluated: 2025-07-16. Review status: criteria provided, single submitter. Criteria: Invitae Variant Classification Sherloc (09022015). Collection method: clinical testing. Allele origin: germline.

CeGaT Center for Human Genetics Tuebingen
Classification: Likely benign. Last evaluated: 2022-11-01. Review status: criteria provided, single submitter. Criteria: CeGaT Center For Human Genetics Tuebingen Variant Classification Criteria Version 2. Collection method: clinical testing. Allele origin: germline. Affected: yes. Observed: 1 variant allele.
Comment: DNAJC6: BP4, BP7

PreventionGenetics, part of Exact Sciences
Classification: Likely benign for DNAJC6-related condition. Last evaluated: 2020-02-10. Review status: no assertion criteria provided. Collection method: clinical testing. Allele origin: germline. Not counted in ClinVar's aggregate classification.
Comment: This variant is classified as likely benign based on ACMG/AMP sequence variant interpretation guidelines (Richards et al. 2015 PMID: 25741868, with internal and published modifications).